The following is an entry in ClinVar:

NM_020937.4(FANCM):c.1892del (p.Asp631fs)

Gene: FANCM (FA complementation group M; plus strand). Cytogenetic location: 14q21.2.
Variant type: Deletion.
Coding change: c.1892del on transcript NM_020937.4 (MANE Select); coding-DNA position 1892, one base deleted (A; older notation c.1892delA).
Protein change: p.Asp631fs; shifts the reading frame from aspartic acid 631.
Molecular consequence: frameshift variant.
Genome position (GRCh38, 1-based): chr14:45,167,053, A deleted. VCF-style (leftmost placement, unchanged base first): chr14-45167052-GA-G. GRCh37 (hg19) VCF-style: chr14-45636255-GA-G.
Other names: c.1814del, p.Asp605fs (NM_001308133.2); c.1892del, p.Asp631fs (NM_001308134.2); short protein forms D605fs, D631fs.
Identifiers: ClinVar variation 4761705 (VCV004761705.1).

ClinVar aggregate classification (germline): Pathogenic (1 of 4 stars; one submission).

Conditions:
Fanconi anemia (FA). Also called: Fanconi's anemia. Identifiers: Orphanet 84, MedGen C0015625, MeSH D005199, MONDO:0019391.

Submission:

Labcorp Genetics (formerly Invitae), Labcorp
Classification: Pathogenic for Fanconi anemia. Last evaluated: 2025-08-06. Review status: criteria provided, single submitter. Criteria: Invitae Variant Classification Sherloc (09022015). Collection method: clinical testing. Allele origin: germline.
Comment: This sequence change creates a premature translational stop signal (p.Asp631Valfs*39) in the FANCM gene. It is expected to result in an absent or disrupted protein product. Loss-of-function variants in FANCM are known to be pathogenic (PMID: 29895858, 30075111). This variant is not present in population databases (gnomAD no frequency). This variant has not been reported in the literature in individuals affected with FANCM-related conditions. For these reasons, this variant has been classified as Pathogenic.

Literature cited by the submitters: PubMed 29895858; PubMed 30075111.